The following is an entry in ClinVar:

ClinVar aggregate classification (germline): Uncertain significance (1 of 4 stars; one submission).

Submission:

GeneDx
Classification: Uncertain significance. Last evaluated: 2026-04-13. Review status: criteria provided, single submitter. Criteria: GeneDx Variant Classification Process June 2021. Collection method: clinical testing. Allele origin: germline.
Comment: Not observed at significant frequency in large population cohorts (gnomAD); In silico analysis supports that this missense variant has a deleterious effect on protein structure/function; Has not been previously published as pathogenic or benign to our knowledge

NM_001127222.2(CACNA1A):c.360T>G (p.His120Gln)

Gene: CACNA1A (calcium voltage-gated channel subunit alpha1 A; minus strand). Cytogenetic location: 19p13.13.
Variant type: single nucleotide variant.
Coding change: c.360T>G on transcript NM_001127222.2 (MANE Select); coding-DNA position 360, T replaced by G.
Protein change: p.His120Gln; replaces histidine 120 with glutamine.
Molecular consequence: missense variant.
Genome position (GRCh38, 1-based): chr19:13,455,146, A>C on the plus strand (T>G on the coding strand, the complement: CACNA1A is on the minus strand). VCF-style: chr19-13455146-A-C. GRCh37 (hg19) VCF-style: chr19-13565960-A-C.
Other names: c.360T>G, p.His120Gln (NM_000068.4, NM_001127221.2, NM_001174080.2 and 1 more transcripts); short protein forms H120Q.
Identifiers: ClinVar variation 5036951 (VCV005036951.1).
Genomic context (GRCh38, chr19:13,455,146, plus strand): 5'-CTGAGAAAAGACATCACTCACCAGCCGTTCAGACATCGGGGTCTTGTCATCATCAGGCAG[A>C]TGCTGCTCCAGTGCGAGGACGATGCAATTCGCTATGATGGTGGCTAAAATCATATATTCA-3'
Protein context (NP_001120694.1, residues 110-130): ANCIVLALEQ[His120Gln]LPDDDKTPMS